The following is an entry in ClinVar:

ClinVar aggregate classification (germline): Uncertain significance. Review status: criteria provided, multiple submitters, no conflicts (2 of 4 stars). 5 submissions from 5 submitters: Uncertain significance (5). Last evaluated 2024-05-03.

Conditions:
Autosomal recessive inherited pseudoxanthoma elasticum (PXE). Identifiers: Orphanet 758, MedGen CN032334, MONDO:0009925, OMIM 264800.
Pseudoxanthoma elasticum, forme fruste. Also called: Pseudoxanthoma Elasticum, Incomplete; PSEUDOXANTHOMA ELASTICUM, HETEROZYGOUS. Identifiers: Orphanet 758, MedGen C1867450, MONDO:0008333, OMIM 177850.
Arterial calcification, generalized, of infancy, 2. Identifiers: Orphanet 51608, MedGen C3276161, MONDO:0013768, OMIM 614473.

Allele frequency attached by ClinVar (database versions not stated): TOPMed 0.00006; ExAC 0.00007; gnomAD exomes 0.00007 and 0.00008; ESP Exome Variant Server 0.00008; gnomAD 0.00008 and 0.00009.
gnomAD v4.1: 125 of 1,613,864 alleles (0.0077%); highest among the groups gnomAD compares: South Asian, 0.016%; no homozygotes.

Submissions (5):

Fulgent Genetics
Classification: Uncertain significance for Pseudoxanthoma elasticum, forme fruste; Autosomal recessive inherited pseudoxanthoma elasticum; Arterial calcification, generalized, of infancy, 2. Last evaluated: 2024-05-03. Review status: criteria provided, single submitter. Criteria: ACMG Guidelines, 2015. Collection method: clinical testing. Allele origin: germline.

Blueprint Genetics
Classification: Uncertain significance. Last evaluated: 2024-02-21. Review status: criteria provided, single submitter. Criteria: ACMG Guidelines, 2015. Collection method: clinical testing. Allele origin: germline.

Labcorp Genetics (formerly Invitae), Labcorp
Classification: Uncertain significance. Last evaluated: 2022-06-15. Review status: criteria provided, single submitter. Criteria: Invitae Variant Classification Sherloc (09022015). Collection method: clinical testing. Allele origin: germline.
Comment: This sequence change replaces valine, which is neutral and non-polar, with methionine, which is neutral and non-polar, at codon 687 of the ABCC6 protein (p.Val687Met). This variant is present in population databases (rs368806440, gnomAD 0.01%). This variant has not been reported in the literature in individuals affected with ABCC6-related conditions. ClinVar contains an entry for this variant (Variation ID: 493175). Algorithms developed to predict the effect of missense changes on protein structure and function output the following: SIFT: "Deleterious"; PolyPhen-2: "Benign"; Align-GVGD: "Class C0". The methionine amino acid residue is found in multiple mammalian species, which suggests that this missense change does not adversely affect protein function. In summary, the available evidence is currently insufficient to determine the role of this variant in disease. Therefore, it has been classified as a Variant of Uncertain Significance.

Centre of Medical Genetics, University Hospital Muenster
Classification: Uncertain significance. Last evaluated: 2021-12-15. Review status: criteria provided, single submitter. Criteria: ACMG Guidelines, 2015. Collection method: clinical testing. Allele origin: unknown. Affected: yes. Observed: 1 variant allele, 1 heterozygote.
Comment: ACMG categories: PM2,PP3,BP1

CeGaT Center for Human Genetics Tuebingen
Classification: Uncertain significance. Last evaluated: 2017-07-01. Review status: criteria provided, single submitter. Criteria: CeGaT Center For Human Genetics Tuebingen Variant Classification Criteria Version 2. Collection method: clinical testing. Allele origin: germline. Affected: yes. Observed: 1 variant allele.

NM_001171.6(ABCC6):c.2059G>A (p.Val687Met)

Gene: ABCC6 (ATP binding cassette subfamily C member 6; minus strand). Cytogenetic location: 16p13.11.
Variant type: single nucleotide variant.
Coding change: c.2059G>A on transcript NM_001171.6 (MANE Select); coding-DNA position 2059, G replaced by A.
Protein change: p.Val687Met; replaces valine 687 with methionine.
Molecular consequence: missense variant. On other transcripts: non-coding transcript variant (1).
Genome position (GRCh38, 1-based): chr16:16,182,815, C>T on the plus strand (G>A on the coding strand, the complement: ABCC6 is on the minus strand). VCF-style: chr16-16182815-C-T. GRCh37 (hg19) VCF-style: chr16-16276672-C-T.
Other names: c.1717G>A, p.Val573Met (NM_001351800.1); short protein forms V687M, V573M.
Identifiers: ClinVar variation 493175 (VCV000493175.53), dbSNP rs368806440, ClinGen allele CA7926042.